The following is an entry in ClinVar:

NM_000334.4(SCN4A):c.3010T>A (p.Cys1004Ser)

Genes: GH-LCR (growth hormone locus control region; plus strand), SCN4A (sodium voltage-gated channel alpha subunit 4; minus strand). Cytogenetic location: 17q23.3.
Variant type: single nucleotide variant.
Coding change: c.3010T>A on transcript NM_000334.4 (MANE Select); coding-DNA position 3010, T replaced by A.
Protein change: p.Cys1004Ser; replaces cysteine 1004 with serine.
Molecular consequence: missense variant.
Genome position (GRCh38, 1-based): chr17:63,948,745, A>T on the plus strand (T>A on the coding strand, the complement: SCN4A is on the minus strand). VCF-style: chr17-63948745-A-T. GRCh37 (hg19) VCF-style: chr17-62026105-A-T.
Other names: short protein forms C1004S.
Identifiers: ClinVar variation 2133761 (VCV002133761.4), dbSNP rs2509295956, ClinGen allele CA400621795.

ClinVar aggregate classification (germline): Uncertain significance (1 of 4 stars; one submission).

Conditions:
Hyperkalemic periodic paralysis. Also called: Familial hyperkalemic periodic paralysis; Gamstorp disease. Identifiers: Orphanet 682, MedGen C0238357, MONDO:0008224, OMIM 170500, HP:0007215.

Submission:

Labcorp Genetics (formerly Invitae), Labcorp
Classification: Uncertain significance for Hyperkalemic periodic paralysis. Last evaluated: 2024-10-28. Review status: criteria provided, single submitter. Criteria: Invitae Variant Classification Sherloc (09022015). Collection method: clinical testing. Allele origin: germline.
Comment: This sequence change replaces cysteine, which is neutral and slightly polar, with serine, which is neutral and polar, at codon 1004 of the SCN4A protein (p.Cys1004Ser). This variant is not present in population databases (gnomAD no frequency). This variant has not been reported in the literature in individuals affected with SCN4A-related conditions. ClinVar contains an entry for this variant (Variation ID: 2133761). Invitae Evidence Modeling of protein sequence and biophysical properties (such as structural, functional, and spatial information, amino acid conservation, physicochemical variation, residue mobility, and thermodynamic stability) indicates that this missense variant is not expected to disrupt SCN4A protein function with a negative predictive value of 95%. In summary, the available evidence is currently insufficient to determine the role of this variant in disease. Therefore, it has been classified as a Variant of Uncertain Significance.